The following is an entry in ClinVar:

ClinVar aggregate classification (germline): Uncertain significance (1 of 4 stars; one submission).

Conditions:
RASopathy. Also called: rasopathies; Noonan spectrum disorder. Identifiers: Orphanet 536391, MedGen C5555857, MONDO:0021060.

Submission:

Labcorp Genetics (formerly Invitae), Labcorp
Classification: Uncertain significance for RASopathy. Last evaluated: 2025-12-21. Review status: criteria provided, single submitter. Criteria: Invitae Variant Classification Sherloc (09022015). Collection method: clinical testing. Allele origin: germline.
Comment: This sequence change replaces serine, which is neutral and polar, with cysteine, which is neutral and slightly polar, at codon 377 of the MAP2K1 protein (p.Ser377Cys). This variant is not present in population databases (gnomAD no frequency). This variant has not been reported in the literature in individuals affected with MAP2K1-related conditions. Invitae Evidence Modeling of protein sequence and biophysical properties (such as structural, functional, and spatial information, amino acid conservation, physicochemical variation, residue mobility, and thermodynamic stability) indicates that this missense variant is expected to disrupt MAP2K1 protein function with a positive predictive value of 95%. In summary, the available evidence is currently insufficient to determine the role of this variant in disease. Therefore, it has been classified as a Variant of Uncertain Significance.

NM_002755.4(MAP2K1):c.1130C>G (p.Ser377Cys)

Genes: MAP2K1 (mitogen-activated protein kinase kinase 1; plus strand), SNAPC5 (small nuclear RNA activating complex polypeptide 5; minus strand). Cytogenetic location: 15q22.31.
Variant type: single nucleotide variant.
Coding change: c.1130C>G on transcript NM_002755.4 (MANE Select); coding-DNA position 1130, C replaced by G.
Protein change: p.Ser377Cys; replaces serine 377 with cysteine.
Molecular consequence: missense variant. On other transcripts: 3 prime UTR variant (1), non-coding transcript variant (1).
Genome position (GRCh38, 1-based): chr15:66,490,563, C>G. VCF-style: chr15-66490563-C-G. GRCh37 (hg19) VCF-style: chr15-66782901-C-G.
Other names: c.*176G>C (NM_006049.4); c.986C>G, p.Ser329Cys (NM_001411065.1); short protein forms S329C, S377C.
Identifiers: ClinVar variation 4797794 (VCV004797794.1).